The following is an entry in ClinVar:

NM_020320.5(RARS2):c.1113-21A>C

Gene: RARS2 (arginyl-tRNA synthetase 2, mitochondrial; minus strand). Cytogenetic location: 6q15.
Variant type: single nucleotide variant.
Coding change: c.1113-21A>C on transcript NM_020320.5 (MANE Select); 21 bases into the intron before coding-DNA position 1113, A replaced by C.
Molecular consequence: intron variant.
Genome position (GRCh38, 1-based): chr6:87,519,728, T>G on the plus strand (A>C on the coding strand, the complement: RARS2 is on the minus strand). VCF-style: chr6-87519728-T-G. GRCh37 (hg19) VCF-style: chr6-88229446-T-G.
Other names: c.1113-21A>C (NM_001350505.2); c.588-21A>C (NM_001350509.2, NM_001318785.2, NM_001350506.2 and 4 more transcripts).
Identifiers: ClinVar variation 3016501 (VCV003016501.3), dbSNP rs2483165715, ClinGen allele CA2573105960.
Genomic context (GRCh38, chr6:87,519,728, plus strand): 5'-CTTCATTCCCTGTACTACTCCAAAGGGCACGTGCTGGCACCTAAAAGAGTGGGCATCTAG[T>G]TAACTGAAAGCTAAACAAGAGCTGCTGCTGAAAGCATATAATACCTTTCAGAGAGTGGTT-3'

ClinVar aggregate classification (germline): Likely pathogenic (1 of 4 stars; one submission).

Allele frequency attached by ClinVar (database versions not stated): gnomAD exomes below 0.00001.
gnomAD v4.1: 1 of 1,613,882 alleles (0.000062%); highest among the groups gnomAD compares: African/African-American, 0.0013%; no homozygotes.

Submission:

Labcorp Genetics (formerly Invitae), Labcorp
Classification: Likely pathogenic. Last evaluated: 2023-12-29. Review status: criteria provided, single submitter. Criteria: Invitae Variant Classification Sherloc (09022015). Collection method: clinical testing. Allele origin: germline.
Comment: This sequence change falls in intron 13 of the RARS2 gene. It does not directly change the encoded amino acid sequence of the RARS2 protein. RNA analysis indicates that this variant induces altered splicing and may result in an absent or disrupted protein product. This variant is not present in population databases (gnomAD no frequency). This variant has been observed in individual(s) with RARS2-related conditions (PMID: 32071833). In at least one individual the data is consistent with being in trans (on the opposite chromosome) from a pathogenic variant. Studies have shown that this variant results in skipping of exon 14 and introduces a premature termination codon (PMID: 32071833). The resulting mRNA is expected to undergo nonsense-mediated decay. In summary, the currently available evidence indicates that the variant is pathogenic, but additional data are needed to prove that conclusively. Therefore, this variant has been classified as Likely Pathogenic.

Literature cited by the submitters: PubMed 32071833.